The following is an entry in ClinVar:

ClinVar aggregate classification (germline): Uncertain significance (1 of 4 stars; one submission).

gnomAD v4.1: 36 of 1,602,126 alleles (0.0022%); highest among the groups gnomAD compares: African/African-American, 0.023%; no homozygotes.

Submission:

Dasa
Classification: Uncertain significance. Last evaluated: 2025-11-28. Review status: criteria provided, single submitter. Criteria: DASA Assertion Criteria. Collection method: clinical testing. Allele origin: germline.
Comment: NM_016148.5(SHANK1):c.202G>A (p.Ala68Thr) is a missense variant that results in the substitution of alanine with threonine. This variant is rare in population databases. Computational prediction algorithms are consistent with a benign effect. The currently available literature and clinical evidence are not sufficient to establish a definitive association between this variant and the reported condition. Therefore, this variant is classified as a variant of uncertain significance.

NM_016148.5(SHANK1):c.202G>A (p.Ala68Thr)

Gene: SHANK1 (SH3 and multiple ankyrin repeat domains 1; minus strand). Cytogenetic location: 19q13.33.
Variant type: single nucleotide variant.
Coding change: c.202G>A on transcript NM_016148.5 (MANE Select); coding-DNA position 202, G replaced by A.
Protein change: p.Ala68Thr; replaces alanine 68 with threonine.
Molecular consequence: missense variant.
Genome position (GRCh38, 1-based): chr19:50,716,718, C>T on the plus strand (G>A on the coding strand, the complement: SHANK1 is on the minus strand). VCF-style: chr19-50716718-C-T. GRCh37 (hg19) VCF-style: chr19-51219975-C-T.
Other names: short protein forms A68T.
Identifiers: ClinVar variation 4886116 (VCV004886116.2).